The following is an entry in ClinVar:

NM_001953.5(TYMP):c.38C>T (p.Pro13Leu)

Gene: TYMP (thymidine phosphorylase; minus strand). Cytogenetic location: 22q13.33.
Variant type: single nucleotide variant.
Coding change: c.38C>T on transcript NM_001953.5 (MANE Select); coding-DNA position 38, C replaced by T.
Protein change: p.Pro13Leu; replaces proline 13 with leucine.
Molecular consequence: missense variant.
Genome position (GRCh38, 1-based): chr22:50,529,672, G>A on the plus strand (C>T on the coding strand, the complement: TYMP is on the minus strand). VCF-style: chr22-50529672-G-A. GRCh37 (hg19) VCF-style: chr22-50968101-G-A.
Other names: c.38C>T, p.Pro13Leu (NM_001113755.3, NM_001113756.3, NM_001257988.1 and 1 more transcripts); short protein forms P13L.
Identifiers: ClinVar variation 1964446 (VCV001964446.5), dbSNP rs1461405847, ClinGen allele CA412203100.

ClinVar aggregate classification (germline): Uncertain significance (1 of 4 stars; one submission).

Allele frequency attached by ClinVar (database versions not stated): TOPMed below 0.00001; gnomAD 0.00001; gnomAD exomes 0.00001.
gnomAD v4.1: 18 of 1,611,966 alleles (0.0011%); highest among the groups gnomAD compares: Non-Finnish European, 0.0014%; no homozygotes.

Submission:

Labcorp Genetics (formerly Invitae), Labcorp
Classification: Uncertain significance. Last evaluated: 2022-05-25. Review status: criteria provided, single submitter. Criteria: Invitae Variant Classification Sherloc (09022015). Collection method: clinical testing. Allele origin: germline.
Comment: Advanced modeling of protein sequence and biophysical properties (such as structural, functional, and spatial information, amino acid conservation, physicochemical variation, residue mobility, and thermodynamic stability) performed at Invitae indicates that this missense variant is not expected to disrupt TYMP protein function. In summary, the available evidence is currently insufficient to determine the role of this variant in disease. Therefore, it has been classified as a Variant of Uncertain Significance. This variant has not been reported in the literature in individuals affected with TYMP-related conditions. This variant is not present in population databases (gnomAD no frequency). This sequence change replaces proline, which is neutral and non-polar, with leucine, which is neutral and non-polar, at codon 13 of the TYMP protein (p.Pro13Leu).